The following is an entry in ClinVar:

ClinVar aggregate classification (germline): Uncertain significance (1 of 4 stars; one submission).

Submission:

Labcorp Genetics (formerly Invitae), Labcorp
Classification: Uncertain significance. Last evaluated: 2022-03-03. Review status: criteria provided, single submitter. Criteria: Invitae Variant Classification Sherloc (09022015). Collection method: clinical testing. Allele origin: germline.
Comment: This variant is present in population databases (rs771566435, gnomAD 0.004%). This variant has not been reported in the literature in individuals affected with PCARE-related conditions. ClinVar contains an entry for this variant (Variation ID: 1036312). Experimental studies and prediction algorithms are not available or were not evaluated, and the functional significance of this variant is currently unknown. In summary, the available evidence is currently insufficient to determine the role of this variant in disease. Therefore, it has been classified as a Variant of Uncertain Significance. This variant, c.1094_1102del, results in the deletion of 3 amino acid(s) of the PCARE protein (p.Leu365_Lys367del), but otherwise preserves the integrity of the reading frame.

NM_001029883.3(PCARE):c.1094_1102del (p.Leu365_Lys367del)

Gene: PCARE (photoreceptor cilium actin regulator; minus strand). Cytogenetic location: 2p23.2.
Variant type: Deletion.
Coding change: c.1094_1102del on transcript NM_001029883.3 (MANE Select); coding-DNA positions 1094 to 1102, 9 bases deleted (TGGGCAAGC; older notation c.1094_1102delTGGGCAAGC).
Protein change: p.Leu365_Lys367del.
Molecular consequence: inframe deletion.
Genome position (GRCh38, 1-based): chr2:29,073,160-29,073,168, GCTTGCCCA deleted on the plus strand (TGGGCAAGC on the coding strand, the reverse complement: PCARE is on the minus strand); deleting any 9 consecutive bases within chr2:29,073,160-29,073,173 gives the same sequence; the c. name uses the placement nearest the transcript's 3' end. VCF-style (leftmost placement, unchanged base first): chr2-29073159-TGCTTGCCCA-T. GRCh37 (hg19) VCF-style: chr2-29296025-TGCTTGCCCA-T.
Identifiers: ClinVar variation 1036312 (VCV001036312.10), dbSNP rs771566435, ClinGen allele CA1592498.
Genomic context (GRCh38, chr2:29,073,159, plus strand): 5'-GTGTGGGGTGAAGTCACCGACTTCCATTCTTCGGGCTCTGGTGCAAGGTCCCAGCTGGTT[TGCTTGCCCA>T]GCTTGTCCACCGACTGCACGGACTCATTGTCAGCACCAATGCCACTGTCCTCAGAGCATA-3'